The following is an entry in ClinVar:

ClinVar aggregate classification (germline): Uncertain significance (1 of 4 stars; one submission).

gnomAD v4.1: 82 of 1,613,894 alleles (0.0051%); highest among the groups gnomAD compares: Non-Finnish European, 0.0064%; no homozygotes.

Submission:

Labcorp Genetics (formerly Invitae), Labcorp
Classification: Uncertain significance. Last evaluated: 2025-06-29. Review status: criteria provided, single submitter. Criteria: Invitae Variant Classification Sherloc (09022015). Collection method: clinical testing. Allele origin: germline.
Comment: This sequence change replaces arginine, which is basic and polar, with histidine, which is basic and polar, at codon 621 of the SLC44A4 protein (p.Arg621His). This variant is present in population databases (rs200236334, gnomAD 0.009%). This variant has not been reported in the literature in individuals affected with SLC44A4-related conditions. Invitae Evidence Modeling of protein sequence and biophysical properties (such as structural, functional, and spatial information, amino acid conservation, physicochemical variation, residue mobility, and thermodynamic stability) indicates that this missense variant is not expected to disrupt SLC44A4 protein function with a negative predictive value of 80%. In summary, the available evidence is currently insufficient to determine the role of this variant in disease. Therefore, it has been classified as a Variant of Uncertain Significance.

NM_025257.3(SLC44A4):c.1862G>A (p.Arg621His)

Gene: SLC44A4 (solute carrier family 44 member 4; minus strand). Cytogenetic location: 6p21.33.
Variant type: single nucleotide variant.
Coding change: c.1862G>A on transcript NM_025257.3 (MANE Select); coding-DNA position 1862, G replaced by A.
Protein change: p.Arg621His; replaces arginine 621 with histidine.
Molecular consequence: missense variant.
Genome position (GRCh38, 1-based): chr6:31,864,880, C>T on the plus strand (G>A on the coding strand, the complement: SLC44A4 is on the minus strand). VCF-style: chr6-31864880-C-T. GRCh37 (hg19) VCF-style: chr6-31832657-C-T.
Other names: c.1736G>A, p.Arg579His (NM_001178044.2); c.1634G>A, p.Arg545His (NM_001178045.2); short protein forms R621H, R545H, R579H.
Identifiers: ClinVar variation 4754069 (VCV004754069.1).